The following is an entry in ClinVar:

NM_001457.4(FLNB):c.3436G>A (p.Gly1146Arg)

Gene: FLNB (filamin B; plus strand). Cytogenetic location: 3p14.3.
Variant type: single nucleotide variant.
Coding change: c.3436G>A on transcript NM_001457.4 (MANE Select); coding-DNA position 3436, G replaced by A.
Protein change: p.Gly1146Arg; replaces glycine 1146 with arginine.
Molecular consequence: missense variant.
Genome position (GRCh38, 1-based): chr3:58,123,402, G>A. VCF-style: chr3-58123402-G-A. GRCh37 (hg19) VCF-style: chr3-58109129-G-A.
Other names: c.3436G>A, p.Gly1146Arg (NM_001164317.2, NM_001164318.2, NM_001164319.2); short protein forms G1146R.
Identifiers: ClinVar variation 2877605 (VCV002877605.3), dbSNP rs778250462, ClinGen allele CA2468413.
Genomic context (GRCh38, chr3:58,123,402, plus strand): 5'-GACATTGAAATGCCCTTTGACCCCTCTAAAGTCGTGGCATCGGGGCCAGGTCTCGAGCAC[G>A]GGAAGGTGGGTGAAGCTGGCCTCCTTAGCGTCGACTGCTCGGAAGCGGGACCGGGGGCCC-3'
Protein context (NP_001448.2, residues 1136-1156): VVASGPGLEH[Gly1146Arg]KVGEAGLLSV

ClinVar aggregate classification (germline): Uncertain significance (1 of 4 stars; one submission).

Allele frequency attached by ClinVar (database versions not stated): ExAC 0.00001; gnomAD exomes 0.00001; TOPMed 0.00001.

Submission:

Labcorp Genetics (formerly Invitae), Labcorp
Classification: Uncertain significance. Last evaluated: 2023-06-05. Review status: criteria provided, single submitter. Criteria: Invitae Variant Classification Sherloc (09022015). Collection method: clinical testing. Allele origin: germline.
Comment: This sequence change replaces glycine, which is neutral and non-polar, with arginine, which is basic and polar, at codon 1146 of the FLNB protein (p.Gly1146Arg). This variant is present in population databases (rs778250462, gnomAD 0.003%). This variant has not been reported in the literature in individuals affected with FLNB-related conditions. Advanced modeling of protein sequence and biophysical properties (such as structural, functional, and spatial information, amino acid conservation, physicochemical variation, residue mobility, and thermodynamic stability) performed at Invitae indicates that this missense variant is not expected to disrupt FLNB protein function. In summary, the available evidence is currently insufficient to determine the role of this variant in disease. Therefore, it has been classified as a Variant of Uncertain Significance.